The following is an entry in ClinVar:

NM_013444.4(UBQLN2):c.401C>T (p.Thr134Ile)

Gene: UBQLN2 (ubiquilin 2; plus strand). Cytogenetic location: Xp11.21.
Variant type: single nucleotide variant.
Coding change: c.401C>T on transcript NM_013444.4 (MANE Select); coding-DNA position 401, C replaced by T.
Protein change: p.Thr134Ile; replaces threonine 134 with isoleucine.
Molecular consequence: missense variant.
Genome position (GRCh38, 1-based): chrX:56,564,274, C>T. VCF-style: chrX-56564274-C-T. GRCh37 (hg19) VCF-style: chrX-56590707-C-T.
Other names: short protein forms T134I.
Identifiers: ClinVar variation 1983075 (VCV001983075.4), dbSNP rs764837088, ClinGen allele CA10430068.
Genomic context (GRCh38, chrX:56,564,274, plus strand): 5'-AGCCTAGCAATGCCGCGGGAACTAACACTACCTCGGCGTCGACTCCCAGGAGTAACTCCA[C>T]ACCTATTTCCACAAATAGCAACCCGTTTGGGTTGGGGAGCCTGGGAGGACTTGCAGGCCT-3'
Protein context (NP_038472.2, residues 124-144): TSASTPRSNS[Thr134Ile]PISTNSNPFG

ClinVar aggregate classification (germline): Uncertain significance (1 of 4 stars; one submission).

Conditions:
Amyotrophic lateral sclerosis type 15. Also called: AMYOTROPHIC LATERAL SCLEROSIS 15 WITH FRONTOTEMPORAL DEMENTIA. Identifiers: Orphanet 803, MedGen C3275459, MONDO:0010459, OMIM 300857.

Allele frequency attached by ClinVar (database versions not stated): ExAC 0.00001; gnomAD exomes 0.00002; TOPMed 0.00002; gnomAD 0.00005.
gnomAD v4.1: 28 of 1,209,081 alleles (0.0023%); highest among the groups gnomAD compares: Non-Finnish European, 0.0029%; no homozygotes.

Submission:

Labcorp Genetics (formerly Invitae), Labcorp
Classification: Uncertain significance for Amyotrophic lateral sclerosis type 15. Last evaluated: 2025-04-11. Review status: criteria provided, single submitter. Criteria: Invitae Variant Classification Sherloc (09022015). Collection method: clinical testing. Allele origin: germline.
Comment: This sequence change replaces threonine, which is neutral and polar, with isoleucine, which is neutral and non-polar, at codon 134 of the UBQLN2 protein (p.Thr134Ile). This variant is present in population databases (rs764837088, gnomAD 0.006%), including at least one homozygous and/or hemizygous individual. This missense change has been observed in individual(s) with amyotrophic lateral sclerosis (PMID: 35896380; internal data). ClinVar contains an entry for this variant (Variation ID: 1983075). Invitae Evidence Modeling of protein sequence and biophysical properties (such as structural, functional, and spatial information, amino acid conservation, physicochemical variation, residue mobility, and thermodynamic stability) indicates that this missense variant is not expected to disrupt UBQLN2 protein function with a negative predictive value of 80%. In summary, the available evidence is currently insufficient to determine the role of this variant in disease. Therefore, it has been classified as a Variant of Uncertain Significance.

Literature cited by the submitters: PubMed 35896380.